The following is an entry in ClinVar:

ClinVar aggregate classification (germline): Conflicting classifications of pathogenicity. Review status: criteria provided, conflicting classifications (1 of 4 stars). 10 submissions from 10 submitters: Uncertain significance (7); Likely benign (3). Last evaluated 2025-08-20.

Conditions:
RECQL-related disorder. Also called: RECQL-related condition.
Hereditary cancer-predisposing syndrome. Also called: Hereditary neoplastic syndrome; Neoplastic Syndromes, Hereditary; Hereditary Cancer Syndrome; Tumor predisposition. Identifiers: Orphanet 140162, MedGen C0027672, MeSH D009386, MONDO:0015356.
RECON progeroid syndrome (RECON). Identifiers: MedGen C5830504, MONDO:0957266, OMIM 620370.

Allele frequency attached by ClinVar (database versions not stated): ExAC 0.00012; gnomAD 0.00013; gnomAD exomes 0.00014; 1000 Genomes Project 30x 0.00016; TOPMed 0.00017; 1000 Genomes Project 0.00020; ESP Exome Variant Server 0.00023.
gnomAD v4.1: 162 of 1,613,320 alleles (0.01%); highest among the groups gnomAD compares: Admixed American, 0.013%; no homozygotes.

Submissions (10):

Labcorp Genetics (formerly Invitae), Labcorp
Classification: Uncertain significance. Last evaluated: 2025-08-20. Review status: criteria provided, single submitter. Criteria: Invitae Variant Classification Sherloc (09022015). Collection method: clinical testing. Allele origin: germline.
Comment: This sequence change replaces threonine, which is neutral and polar, with methionine, which is neutral and non-polar, at codon 29 of the RECQL protein (p.Thr29Met). This variant is present in population databases (rs145067169, gnomAD 0.1%), and has an allele count higher than expected for a pathogenic variant. This missense change has been observed in individual(s) with breast cancer (PMID: 35264596, 35534704). ClinVar contains an entry for this variant (Variation ID: 584825). An algorithm developed to predict the effect of missense changes on protein structure and function outputs the following: PolyPhen-2: "Benign". The methionine amino acid residue is found in multiple mammalian species, which suggests that this missense change does not adversely affect protein function. In summary, the available evidence is currently insufficient to determine the role of this variant in disease. Therefore, it has been classified as a Variant of Uncertain Significance.

GeneDx
Classification: Uncertain significance. Last evaluated: 2025-02-18. Review status: criteria provided, single submitter. Criteria: GeneDx Variant Classification Process June 2021. Collection method: clinical testing. Allele origin: germline. Affected: yes.
Comment: Observed in individuals with breast cancer and in unaffected controls (PMID: 35264596, 33471991, 35534704); In silico analysis indicates that this missense variant does not alter protein structure/function; Variants in candidate genes are classified as variants of uncertain significance in accordance with ACMG guidelines (PMID: 25741868); This variant is associated with the following publications: (PMID: 27248010, 33471991, 35264596, 35534704)

Blueprint Genetics
Classification: Likely benign. Last evaluated: 2024-10-21. Review status: criteria provided, single submitter. Criteria: ACMG Guidelines, 2015. Collection method: clinical testing. Allele origin: germline.

Department of Pathology and Laboratory Medicine, Sinai Health System
Classification: Uncertain significance for RECON progeroid syndrome. Last evaluated: 2024-07-04. Review status: criteria provided, single submitter. Criteria: ACMG Guidelines, 2015. Collection method: clinical testing. Allele origin: germline. Affected: yes.

Fulgent Genetics
Classification: Uncertain significance for RECON progeroid syndrome. Last evaluated: 2024-01-22. Review status: criteria provided, single submitter. Criteria: ACMG Guidelines, 2015. Collection method: clinical testing. Allele origin: germline.

Quest Diagnostics Nichols Institute San Juan Capistrano
Classification: Likely benign. Last evaluated: 2023-05-19. Review status: criteria provided, single submitter. Criteria: Quest Diagnostics criteria. Collection method: clinical testing. Allele origin: unknown.

PreventionGenetics, part of Exact Sciences
Classification: Uncertain significance for RECQL-related condition. Last evaluated: 2023-04-21. Review status: criteria provided, single submitter. Criteria: ACMG Guidelines, 2015. Collection method: clinical testing. Allele origin: germline.
Comment: The RECQL c.86C>T variant is predicted to result in the amino acid substitution p.Thr29Met. To our knowledge, this variant has not been reported in the literature. This variant is reported in 0.14% of alleles in individuals of Ashkenazi Jewish descent in gnomAD. In ClinVar, this variant tis interpreted likely benign/uncertain. Although we suspect that this variant may be benign, at this time, the clinical significance of this variant is uncertain due to the absence of conclusive functional and genetic evidence.

Ambry Genetics
Classification: Likely benign. Last evaluated: 2020-07-01. Review status: criteria provided, single submitter. Criteria: Ambry Variant Classification Scheme 2023. Collection method: clinical testing. Allele origin: germline.

Revvity Omics, Revvity
Classification: Uncertain significance for RECON progeroid syndrome. Last evaluated: 2019-04-03. Review status: criteria provided, single submitter. Criteria: ACMG Guidelines, 2015. Collection method: clinical testing. Allele origin: germline.

Mendelics
Classification: Uncertain significance for Hereditary cancer-predisposing syndrome. Last evaluated: 2018-07-02. Review status: criteria provided, single submitter. Criteria: Mendelics Assertion Criteria 2017. Collection method: clinical testing. Allele origin: unknown.

Literature cited by the submitters: PubMed 35264596 (cited by 3 submitters); PubMed 35534704 (cited by Labcorp Genetics (formerly Invitae), Labcorp); PubMed 33471991 (cited by Department of Pathology and Laboratory Medicine, Sinai Health System and Quest Diagnostics Nichols Institute San Juan Capistrano).

NM_002907.4(RECQL):c.86C>T (p.Thr29Met)

Gene: RECQL (RecQ like helicase; minus strand). Cytogenetic location: 12p12.1.
Variant type: single nucleotide variant.
Coding change: c.86C>T on transcript NM_002907.4 (MANE Select); coding-DNA position 86, C replaced by T.
Protein change: p.Thr29Met; replaces threonine 29 with methionine.
Molecular consequence: missense variant.
Genome position (GRCh38, 1-based): chr12:21,491,647, G>A on the plus strand (C>T on the coding strand, the complement: RECQL is on the minus strand). VCF-style: chr12-21491647-G-A. GRCh37 (hg19) VCF-style: chr12-21644581-G-A.
Other names: c.86C>T, p.Thr29Met (NM_032941.3); short protein forms T29M.
Identifiers: ClinVar variation 584825 (VCV000584825.28), dbSNP rs145067169, ClinGen allele CA6479208.